The following is an entry in ClinVar:

NM_001136191.3(KANK2):c.518G>A (p.Gly173Glu)

Gene: KANK2 (KN motif and ankyrin repeat domains 2; minus strand). Cytogenetic location: 19p13.2.
Variant type: single nucleotide variant.
Coding change: c.518G>A on transcript NM_001136191.3 (MANE Select); coding-DNA position 518, G replaced by A.
Protein change: p.Gly173Glu; replaces glycine 173 with glutamic acid.
Molecular consequence: missense variant.
Genome position (GRCh38, 1-based): chr19:11,193,562, C>T on the plus strand (G>A on the coding strand, the complement: KANK2 is on the minus strand). VCF-style: chr19-11193562-C-T. GRCh37 (hg19) VCF-style: chr19-11304238-C-T.
Other names: c.518G>A, p.Gly173Glu (NM_001329451.2, NM_001379548.1, NM_001379549.1 and 15 more transcripts); short protein forms G173E.
Identifiers: ClinVar variation 3112609 (VCV003112609.3), dbSNP rs776227364, ClinGen allele CA9206042.

ClinVar aggregate classification (germline): Uncertain significance. Review status: criteria provided, multiple submitters, no conflicts (2 of 4 stars). 3 submissions from 3 submitters: Uncertain significance (3). Last evaluated 2025-06-22.

Allele frequency attached by ClinVar (database versions not stated): gnomAD 0.00002; gnomAD exomes 0.00002; TOPMed 0.00003; ExAC 0.00008.
gnomAD v4.1: 33 of 1,596,670 alleles (0.0021%); highest among the groups gnomAD compares: East Asian, 0.067%; no homozygotes.

Submissions (3):

Labcorp Genetics (formerly Invitae), Labcorp
Classification: Uncertain significance. Last evaluated: 2025-06-22. Review status: criteria provided, single submitter. Criteria: Invitae Variant Classification Sherloc (09022015). Collection method: clinical testing. Allele origin: germline.
Comment: This sequence change replaces glycine, which is neutral and non-polar, with glutamic acid, which is acidic and polar, at codon 173 of the KANK2 protein (p.Gly173Glu). The frequency data for this variant in the population databases is considered unreliable, as metrics indicate poor data quality at this position in the gnomAD database. This variant has not been reported in the literature in individuals affected with KANK2-related conditions. ClinVar contains an entry for this variant (Variation ID: 3112609). An algorithm developed to predict the effect of missense changes on protein structure and function (PolyPhen-2) suggests that this variant is likely to be disruptive. In summary, the available evidence is currently insufficient to determine the role of this variant in disease. Therefore, it has been classified as a Variant of Uncertain Significance.

Blueprint Genetics
Classification: Uncertain significance. Last evaluated: 2024-04-05. Review status: criteria provided, single submitter. Criteria: ACMG Guidelines, 2015. Collection method: clinical testing. Allele origin: germline.

Ambry Genetics
Classification: Uncertain significance. Last evaluated: 2023-12-15. Review status: criteria provided, single submitter. Criteria: Ambry Variant Classification Scheme 2023. Collection method: clinical testing. Allele origin: germline.